The following is an entry in ClinVar:

NM_201384.3(PLEC):c.11993C>G (p.Pro3998Arg)

Gene: PLEC (plectin; minus strand). Cytogenetic location: 8q24.3.
Variant type: single nucleotide variant.
Coding change: c.11993C>G on transcript NM_201384.3 (MANE Select); coding-DNA position 11993, C replaced by G.
Protein change: p.Pro3998Arg; replaces proline 3998 with arginine.
Molecular consequence: missense variant.
Genome position (GRCh38, 1-based): chr8:143,917,828, G>C on the plus strand (C>G on the coding strand, the complement: PLEC is on the minus strand). VCF-style: chr8-143917828-G-C. GRCh37 (hg19) VCF-style: chr8-144991996-G-C.
Other names: c.12074C>G, p.Pro4025Arg (NM_000445.5); c.8693C>G, p.Pro2898Arg (NM_001410941.1); c.11951C>G, p.Pro3984Arg (NM_201378.4); c.11927C>G, p.Pro3976Arg (NM_201379.3); c.12404C>G, p.Pro4135Arg (NM_201380.4); c.11897C>G, p.Pro3966Arg (NM_201381.3); c.11993C>G, p.Pro3998Arg (NM_201382.4); c.12005C>G, p.Pro4002Arg (NM_201383.3); short protein forms P4025R, P3984R, P4002R, P3966R, P3998R, P4135R, P2898R, P3976R.
Identifiers: ClinVar variation 4782644 (VCV004782644.1).
Genomic context (GRCh38, chr8:143,917,828, plus strand): 5'-TAGGGGTCCTTGTACCCAGTGACGGCGCGCTCGGCCGACAGCAGCTTGTCCTTGAACTCG[G>C]GGCCCACAATGCCCATACGCACAGCCTCCTCCACCGTCAGCTTCAGTCCCTTGATGGGGT-3'
Protein context (NP_958786.1, residues 3988-4008): EEAVRMGIVG[Pro3998Arg]EFKDKLLSAE

ClinVar aggregate classification (germline): Uncertain significance (1 of 4 stars; one submission).

Conditions:
Epidermolysis bullosa simplex with nail dystrophy (EBS5D). Identifiers: MedGen C4225309, MONDO:0014661, OMIM 616487.
Epidermolysis bullosa simplex, Ogna type (EBS5A). Also called: Pidermolysis bullosa simplex 5A, Ogna type; EPIDERMOLYSIS BULLOSA SIMPLEX 5A, OGNA TYPE. Identifiers: Orphanet 79401, MedGen C0432317, MONDO:0007555, OMIM 131950.
Epidermolysis bullosa simplex 5B, with muscular dystrophy (EBS5B). Also called: Epidermolysis bullosa simplex with muscular dystrophy; EPIDERMOLYSIS BULLOSA SIMPLEX AND LIMB-GIRDLE MUSCULAR DYSTROPHY. Identifiers: Orphanet 257, MedGen C2931072, MONDO:0009181, OMIM 226670.
Autosomal recessive limb-girdle muscular dystrophy type 2Q (LGMDR17). Also called: MUSCULAR DYSTROPHY, LIMB-GIRDLE, AUTOSOMAL RECESSIVE 17. Identifiers: Orphanet 254361, MedGen C3150989, MONDO:0013390, OMIM 613723.
Epidermolysis bullosa simplex 5C, with pyloric atresia (EBS5C). Also called: PLEC-Related Epidermolysis Bullosa with Pyloric Atresia; Epidermolysis bullosa simplex with pyloric atresia; PLEC1-Related Epidermolysis Bullosa with Pyloric Atresia. Identifiers: Orphanet 158684, MedGen C2677349, MONDO:0012807, OMIM 612138.

gnomAD v4.1: 2 of 1,613,416 alleles (0.00012%); highest among the groups gnomAD compares: Non-Finnish European, 0.00017%; no homozygotes.

Submission:

Labcorp Genetics (formerly Invitae), Labcorp
Classification: Uncertain significance for Autosomal recessive limb-girdle muscular dystrophy type 2Q; Epidermolysis bullosa simplex, Ogna type; Epidermolysis bullosa simplex with nail dystrophy; Epidermolysis bullosa simplex 5C, with pyloric atresia; Epidermolysis bullosa simplex 5B, with muscular dystrophy. Last evaluated: 2025-08-21. Review status: criteria provided, single submitter. Criteria: Invitae Variant Classification Sherloc (09022015). Collection method: clinical testing. Allele origin: germline.
Comment: This sequence change replaces proline, which is neutral and non-polar, with arginine, which is basic and polar, at codon 4025 of the PLEC protein (p.Pro4025Arg). This variant is not present in population databases (gnomAD no frequency). This variant has not been reported in the literature in individuals affected with PLEC-related conditions. Invitae Evidence Modeling of protein sequence and biophysical properties (such as structural, functional, and spatial information, amino acid conservation, physicochemical variation, residue mobility, and thermodynamic stability) has been performed for this missense variant. However, the output from this modeling did not meet the statistical confidence thresholds required to predict the impact of this variant on PLEC protein function. In summary, the available evidence is currently insufficient to determine the role of this variant in disease. Therefore, it has been classified as a Variant of Uncertain Significance.